The following is an entry in ClinVar:

NM_000426.4(LAMA2):c.6274+152G>A

Gene: LAMA2 (laminin subunit alpha 2; plus strand). Cytogenetic location: 6q22.33.
Variant type: single nucleotide variant.
Coding change: c.6274+152G>A on transcript NM_000426.4 (MANE Select); 152 bases into the intron after coding-DNA position 6274, G replaced by A.
Molecular consequence: intron variant.
Genome position (GRCh38, 1-based): chr6:129,443,220, G>A. VCF-style: chr6-129443220-G-A. GRCh37 (hg19) VCF-style: chr6-129764365-G-A.
Other names: c.6274+152G>A (NM_001079823.2).
Identifiers: ClinVar variation 677328 (VCV000677328.1), dbSNP rs11154478, ClinGen allele CA12278998.
Genomic context (GRCh38, chr6:129,443,220, plus strand): 5'-GTTTTGCTTTAAACATTGCGTAGCTATTCTTTCCACTGTTACAGTATTAATGGTAGATGC[G>A]TAAAAGGAATCTTCCTTTATAAAAAGGTCATATGTGGATAAAGGTGATATAAAATGTTTT-3'

ClinVar aggregate classification (germline): Benign (1 of 4 stars; one submission).

Allele frequency attached by ClinVar (database versions not stated): 1000 Genomes Project 30x 0.02764; 1000 Genomes Project 0.02835; TOPMed 0.04748; gnomAD 0.05221 and 0.05291; gnomAD exomes 0.05888.
gnomAD v4.1: 30,953 of 544,186 alleles (5.7%); highest among the groups gnomAD compares: Non-Finnish European, 7.1%; 1,204 homozygotes.

Submission:

GeneDx
Classification: Benign. Last evaluated: 2018-06-19. Review status: criteria provided, single submitter. Criteria: GeneDx Variant Classification (06012015). Collection method: clinical testing. Allele origin: germline. Affected: yes.
Comment: This variant is considered likely benign or benign based on one or more of the following criteria: it is a conservative change, it occurs at a poorly conserved position in the protein, it is predicted to be benign by multiple in silico algorithms, and/or has population frequency not consistent with disease.